The following is an entry in ClinVar:

NM_001195263.2(PDZD7):c.2538G>C (p.Gly846=)

Gene: PDZD7 (PDZ domain containing 7; minus strand). Cytogenetic location: 10q24.31.
Variant type: single nucleotide variant.
Coding change: c.2538G>C on transcript NM_001195263.2 (MANE Select); coding-DNA position 2538, G replaced by C.
Protein change: p.Gly846=; no amino-acid change (glycine 846 retained).
Molecular consequence: synonymous variant.
Genome position (GRCh38, 1-based): chr10:101,010,351, C>G on the plus strand (G>C on the coding strand, the complement: PDZD7 is on the minus strand). VCF-style: chr10-101010351-C-G. GRCh37 (hg19) VCF-style: chr10-102770108-C-G.
Identifiers: ClinVar variation 164936 (VCV000164936.32), dbSNP rs111750275, ClinGen allele CA177617.

ClinVar aggregate classification (germline): Benign/Likely benign. Review status: criteria provided, multiple submitters, no conflicts (2 of 4 stars). 6 submissions from 6 submitters: Benign (1); Likely benign (5). Last evaluated 2025-12-01.

Allele frequency attached by ClinVar (database versions not stated): ExAC 0.00022; 1000 Genomes Project 0.00100; 1000 Genomes Project 30x 0.00141; gnomAD 0.00161 and 0.00173; TOPMed 0.00185.
gnomAD v4.1: 481 of 1,535,484 alleles (0.031%); highest among the groups gnomAD compares: African/African-American, 0.49%; 3 homozygotes.

Submissions (6):

Labcorp Genetics (formerly Invitae), Labcorp
Classification: Benign. Last evaluated: 2025-12-01. Review status: criteria provided, single submitter. Criteria: Invitae Variant Classification Sherloc (09022015). Collection method: clinical testing. Allele origin: germline.

CeGaT Center for Human Genetics Tuebingen
Classification: Likely benign. Last evaluated: 2025-01-01. Review status: criteria provided, single submitter. Criteria: CeGaT Center For Human Genetics Tuebingen Variant Classification Criteria Version 2. Collection method: clinical testing. Allele origin: germline. Affected: yes. Observed: 1 variant allele.
Comment: PDZD7: BP4, BS2

Blueprint Genetics
Classification: Likely benign. Last evaluated: 2024-07-16. Review status: criteria provided, single submitter. Criteria: ACMG Guidelines, 2015. Collection method: clinical testing. Allele origin: germline.

GeneDx
Classification: Likely benign. Last evaluated: 2020-08-10. Review status: criteria provided, single submitter. Criteria: GeneDx Variant Classification Process June 2021. Collection method: clinical testing. Allele origin: germline. Affected: yes.

Laboratory for Molecular Medicine, Mass General Brigham Personalized Medicine
Classification: Likely benign. Last evaluated: 2012-04-30. Review status: criteria provided, single submitter. Criteria: LMM Criteria. Collection method: clinical testing. Allele origin: germline. Observed: 1 variant allele.
Comment: Gly846Gly in Exon 15 of PDZD7: This variant is not expected to have clinical sig nificance because it does not alter an amino acid residue, is not located within the splice consensus sequence, and has been identified in 50.0% (1/2) of chromo somes from a population in the dbSNP database (cts/SNP; rs111750275).

Breakthrough Genomics
Classification: Likely benign. Review status: criteria provided, single submitter. Criteria: ACMG Guidelines, 2015. Collection method: not provided. Allele origin: germline. Inheritance: Autosomal recessive inheritance. Affected: yes.